The following is an entry in ClinVar:

NM_201384.3(PLEC):c.9040G>A (p.Asp3014Asn)

Gene: PLEC (plectin; minus strand). Cytogenetic location: 8q24.3.
Variant type: single nucleotide variant.
Coding change: c.9040G>A on transcript NM_201384.3 (MANE Select); coding-DNA position 9040, G replaced by A.
Protein change: p.Asp3014Asn; replaces aspartic acid 3014 with asparagine.
Molecular consequence: missense variant.
Genome position (GRCh38, 1-based): chr8:143,920,781, C>T on the plus strand (G>A on the coding strand, the complement: PLEC is on the minus strand). VCF-style: chr8-143920781-C-T. GRCh37 (hg19) VCF-style: chr8-144994949-C-T.
Other names: c.9121G>A, p.Asp3041Asn (NM_000445.5); c.8998G>A, p.Asp3000Asn (NM_201378.4); c.8974G>A, p.Asp2992Asn (NM_201379.3); c.9451G>A, p.Asp3151Asn (NM_201380.4); c.8944G>A, p.Asp2982Asn (NM_201381.3); c.9040G>A, p.Asp3014Asn (NM_201382.4); c.9052G>A, p.Asp3018Asn (NM_201383.3); short protein forms D2992N, D3041N, D3014N, D3151N, D2982N, D3018N, D3000N.
Identifiers: ClinVar variation 1437400 (VCV001437400.6), dbSNP rs2131106331, ClinGen allele CA372514186.

ClinVar aggregate classification (germline): Uncertain significance (1 of 4 stars; one submission).

Conditions:
Epidermolysis bullosa simplex 5B, with muscular dystrophy (EBS5B). Also called: EPIDERMOLYSIS BULLOSA SIMPLEX AND LIMB-GIRDLE MUSCULAR DYSTROPHY; Epidermolysis bullosa simplex with muscular dystrophy. Identifiers: Orphanet 257, MedGen C2931072, MONDO:0009181, OMIM 226670.
Epidermolysis bullosa simplex 5C, with pyloric atresia (EBS5C). Also called: Epidermolysis bullosa simplex with pyloric atresia; PLEC-Related Epidermolysis Bullosa with Pyloric Atresia; PLEC1-Related Epidermolysis Bullosa with Pyloric Atresia. Identifiers: Orphanet 158684, MedGen C2677349, MONDO:0012807, OMIM 612138.
Autosomal recessive limb-girdle muscular dystrophy type 2Q (LGMDR17). Also called: MUSCULAR DYSTROPHY, LIMB-GIRDLE, AUTOSOMAL RECESSIVE 17. Identifiers: Orphanet 254361, MedGen C3150989, MONDO:0013390, OMIM 613723.
Epidermolysis bullosa simplex with nail dystrophy (EBS5D). Identifiers: MedGen C4225309, MONDO:0014661, OMIM 616487.
Epidermolysis bullosa simplex, Ogna type (EBS5A). Also called: Pidermolysis bullosa simplex 5A, Ogna type; EPIDERMOLYSIS BULLOSA SIMPLEX 5A, OGNA TYPE. Identifiers: Orphanet 79401, MedGen C0432317, MONDO:0007555, OMIM 131950.

Allele frequency attached by ClinVar (database versions not stated): gnomAD exomes below 0.00001.
gnomAD v4.1: 1 of 1,607,128 alleles (0.000062%); highest among the groups gnomAD compares: Admixed American, 0.0017%; no homozygotes.

Submission:

Labcorp Genetics (formerly Invitae), Labcorp
Classification: Uncertain significance for Autosomal recessive limb-girdle muscular dystrophy type 2Q; Epidermolysis bullosa simplex, Ogna type; Epidermolysis bullosa simplex with nail dystrophy; Epidermolysis bullosa simplex 5C, with pyloric atresia; Epidermolysis bullosa simplex 5B, with muscular dystrophy. Last evaluated: 2021-10-31. Review status: criteria provided, single submitter. Criteria: Invitae Variant Classification Sherloc (09022015). Collection method: clinical testing. Allele origin: germline.
Comment: In summary, the available evidence is currently insufficient to determine the role of this variant in disease. Therefore, it has been classified as a Variant of Uncertain Significance. Algorithms developed to predict the effect of sequence changes on RNA splicing suggest that this variant may create or strengthen a splice site. Algorithms developed to predict the effect of missense changes on protein structure and function are either unavailable or do not agree on the potential impact of this missense change (SIFT: "Deleterious"; PolyPhen-2: "Possibly Damaging"; Align-GVGD: "Class C0"). This variant has not been reported in the literature in individuals affected with PLEC-related conditions. This variant is not present in population databases (gnomAD no frequency). This sequence change replaces aspartic acid, which is acidic and polar, with asparagine, which is neutral and polar, at codon 3041 of the PLEC protein (p.Asp3041Asn).